The following is an entry in ClinVar:

NM_017777.4(MKS1):c.1489_1490+18delinsGCTTGCACTGTCTGCAGCAG

Gene: MKS1 (MKS transition zone complex subunit 1; minus strand). Cytogenetic location: 17q22.
Variant type: Indel.
Coding change: c.1489_1490+18delinsGCTTGCACTGTCTGCAGCAG on transcript NM_017777.4 (MANE Select); coding-DNA position 1489 through 18 bases into the intron after coding-DNA position 1490, AGGTGAGTGACTTGGCCCTC replaced by GCTTGCACTGTCTGCAGCAG.
Molecular consequence: splice donor variant. On other transcripts: intron variant (2).
Genome position (GRCh38, 1-based): chr17:58,206,447-58,206,466, GAGGGCCAAGTCACTCACCT replaced by CTGCTGCAGACAGTGCAAGC on the plus strand (AGGTGAGTGACTTGGCCCTC replaced by GCTTGCACTGTCTGCAGCAG on the coding strand, the reverse complement: MKS1 is on the minus strand). GRCh37 (hg19): chr17:56,283,808-56,283,827.
Other names: c.880_881+18delinsGCTTGCACTGTCTGCAGCAG (NM_001321268.2); c.1274-86_1274-67delinsGCTTGCACTGTCTGCAGCAG (NM_001330397.2); c.1408-86_1408-67delinsGCTTGCACTGTCTGCAGCAG (NM_001321269.2).
Identifiers: ClinVar variation 2954282 (VCV002954282.3), dbSNP rs2509403404, ClinGen allele CA2740093822.

ClinVar aggregate classification (germline): Likely pathogenic (1 of 4 stars; one submission).

Conditions:
Joubert syndrome. Also called: CEREBELLOPARENCHYMAL DISORDER IV; JOUBERT-BOLTSHAUSER SYNDROME; Familial aplasia of the vermis. Identifiers: Orphanet 475, MedGen C5979921, MONDO:0018772.
Meckel-Gruber syndrome. Also called: DYSENCEPHALIA SPLANCHNOCYSTICA; GRUBER SYNDROME; Dysencephalia splachnocystica. Identifiers: Orphanet 564, MedGen C0265215, MONDO:0018921.

Submission:

Labcorp Genetics (formerly Invitae), Labcorp
Classification: Likely pathogenic for Joubert syndrome; Meckel-Gruber syndrome. Last evaluated: 2023-11-28. Review status: criteria provided, single submitter. Criteria: Invitae Variant Classification Sherloc (09022015). Collection method: clinical testing. Allele origin: germline.
Comment: This variant results in the deletion of part of exon 16 (c.1489_1490+18delins20) of the MKS1 gene. It is expected to disrupt RNA splicing. Variants that disrupt the donor or acceptor splice site typically lead to a loss of protein function (PMID: 16199547), and loss-of-function variants in MKS1 are known to be pathogenic (PMID: 19466712, 24886560, 26490104). This variant is not present in population databases (gnomAD no frequency). This variant has not been reported in the literature in individuals affected with MKS1-related conditions. In summary, the currently available evidence indicates that the variant is pathogenic, but additional data are needed to prove that conclusively. Therefore, this variant has been classified as Likely Pathogenic.

Literature cited by the submitters: PubMed 16199547; PubMed 19466712; PubMed 24886560; PubMed 26490104.